The following is an entry in ClinVar:

ClinVar aggregate classification (germline): Pathogenic/Likely pathogenic. Review status: criteria provided, multiple submitters, no conflicts (2 of 4 stars). 3 submissions from 3 submitters: Pathogenic (2); Likely pathogenic (1). Last evaluated 2025-05-20.

Conditions:
Hereditary cancer-predisposing syndrome. Also called: Tumor predisposition; Hereditary Cancer Syndrome; Neoplastic Syndromes, Hereditary; Hereditary neoplastic syndrome. Identifiers: Orphanet 140162, MedGen C0027672, MeSH D009386, MONDO:0015356.
Lynch syndrome 5 (LYNCH5). Also called: Hereditary non-polyposis colorectal cancer, type 5; Colorectal cancer, hereditary nonpolyposis, type 5. Identifiers: Orphanet 144, MedGen C1833477, MONDO:0013710, OMIM 614350. Disease mechanism: loss of function.

Submissions (3):

Ambry Genetics
Classification: Pathogenic for Hereditary cancer-predisposing syndrome. Last evaluated: 2025-05-20. Review status: criteria provided, single submitter. Criteria: Ambry Variant Classification Scheme 2023. Collection method: clinical testing. Allele origin: germline.
Comment: The c.1309dupC pathogenic mutation, located in coding exon 4 of the MSH6 gene, results from a duplication of C at nucleotide position 1309, causing a translational frameshift with a predicted alternate stop codon (p.H437Pfs*10). This alteration is expected to result in loss of function by premature protein truncation or nonsense-mediated mRNA decay. As such, this alteration is interpreted as a disease-causing mutation.

Myriad Genetics, Inc.
Classification: Pathogenic for Lynch syndrome 5. Last evaluated: 2023-08-11. Review status: criteria provided, single submitter. Criteria: Myriad Autosomal Dominant, Autosomal Recessive and X-Linked Classification Criteria (2023). Collection method: clinical testing. Allele origin: unknown.
Comment: This variant is considered pathogenic. This variant creates a frameshift predicted to result in premature protein truncation.

Quest Diagnostics Nichols Institute San Juan Capistrano
Classification: Likely pathogenic. Last evaluated: 2018-05-03. Review status: criteria provided, single submitter. Criteria: Quest Diagnostics criteria. Collection method: clinical testing. Allele origin: germline.

NM_000179.3(MSH6):c.1309dup (p.His437fs)

Gene: MSH6 (mutS homolog 6; plus strand). Cytogenetic location: 2p16.3.
Variant type: Duplication.
Coding change: c.1309dup on transcript NM_000179.3 (MANE Select); coding-DNA position 1309, one base duplicated (C; older notation c.1309dupC).
Protein change: p.His437fs; shifts the reading frame from histidine 437.
Molecular consequence: frameshift variant.
Genome position (GRCh38, 1-based): chr2:47,799,292, C duplicated; the last of 2 consecutive C bases (chr2:47,799,291-47,799,292); duplicating either gives the same sequence. VCF-style (leftmost placement, unchanged base first): chr2-47799290-A-AC. GRCh37 (hg19) VCF-style: chr2-48026429-A-AC.
Other names: c.919dup, p.His307fs (NM_001281492.2); c.403dup, p.His135fs (NM_001281493.2, NM_001281494.2); c.1309dupC (NM_000179.2); short protein forms H307fs, H437fs, H135fs.
Identifiers: ClinVar variation 619872 (VCV000619872.6), dbSNP rs1558661308, ClinGen allele CA913190107.